The following is an entry in ClinVar:

NM_177438.3(DICER1):c.4245G>A (p.Glu1415=)

Gene: DICER1 (dicer 1, ribonuclease III; minus strand). Cytogenetic location: 14q32.13.
Variant type: single nucleotide variant.
Coding change: c.4245G>A on transcript NM_177438.3 (MANE Select); coding-DNA position 4245, G replaced by A.
Protein change: p.Glu1415=; no amino-acid change (glutamic acid 1415 retained).
Molecular consequence: synonymous variant.
Genome position (GRCh38, 1-based): chr14:95,096,675, C>T on the plus strand (G>A on the coding strand, the complement: DICER1 is on the minus strand). VCF-style: chr14-95096675-C-T. GRCh37 (hg19) VCF-style: chr14-95563012-C-T.
Other names: c.4245G>A, p.Glu1415= (NM_001195573.1, NM_001271282.3, NM_001291628.2 and 1 more transcripts).
Identifiers: ClinVar variation 477195 (VCV000477195.18), dbSNP rs373735840, ClinGen allele CA7330870.

ClinVar aggregate classification (germline): Benign/Likely benign. Review status: criteria provided, multiple submitters, no conflicts (2 of 4 stars). 3 submissions from 3 submitters: Benign (1); Likely benign (2). Last evaluated 2026-04-17.

Conditions:
DICER1-related tumor predisposition. Also called: DICER1-related pleuropulmonary blastoma cancer predisposition syndrome; DICER1 syndrome. Identifiers: Orphanet 284343, MedGen C3839822, MONDO:0100216.
Hereditary cancer-predisposing syndrome. Also called: Hereditary neoplastic syndrome; Neoplastic Syndromes, Hereditary; Hereditary Cancer Syndrome; Tumor predisposition. Identifiers: Orphanet 140162, MedGen C0027672, MeSH D009386, MONDO:0015356.

Allele frequency attached by ClinVar (database versions not stated): gnomAD exomes 0.00001 and 0.00003; TOPMed 0.00002; gnomAD 0.00001 and 0.00002; ExAC 0.00003; ESP Exome Variant Server 0.00008; 1000 Genomes Project 0.00020; 1000 Genomes Project 30x 0.00016.
gnomAD v4.1: 12 of 1,612,836 alleles (0.00074%); highest among the groups gnomAD compares: African/African-American, 0.013%; no homozygotes.

Submissions (3):

Myriad Genetics, Inc.
Classification: Benign for DICER1-related tumor predisposition. Last evaluated: 2026-04-17. Review status: criteria provided, single submitter. Criteria: Myriad Autosomal Dominant, Autosomal Recessive and X-Linked Classification Criteria (2023). Collection method: clinical testing. Allele origin: unknown.
Comment: This variant is considered benign. This variant is a silent/synonymous amino acid change and it is not expected to impact splicing.

Labcorp Genetics (formerly Invitae), Labcorp
Classification: Likely benign for DICER1-related tumor predisposition. Last evaluated: 2025-07-07. Review status: criteria provided, single submitter. Criteria: Invitae Variant Classification Sherloc (09022015). Collection method: clinical testing. Allele origin: germline.

Ambry Genetics
Classification: Likely benign for Hereditary cancer-predisposing syndrome. Last evaluated: 2019-11-27. Review status: criteria provided, single submitter. Criteria: Ambry Variant Classification Scheme 2023. Collection method: clinical testing. Allele origin: germline.